The following is an entry in ClinVar:

ClinVar aggregate classification (germline): Uncertain significance. Review status: criteria provided, multiple submitters, no conflicts (2 of 4 stars). 2 submissions from 2 submitters: Uncertain significance (2). Last evaluated 2021-08-24.

Conditions:
Ehlers-Danlos syndrome, musculocontractural type (EDSMC). Also called: ARTHROGRYPOSIS, DISTAL, WITH PECULIAR FACIES AND HYDRONEPHROSIS; ADDUCTED THUMB-CLUBFOOT SYNDROME; DUNDAR SYNDROME; Adducted thumb, clubfoot, progressive joint and skin laxity syndrome. Identifiers: Orphanet 2953, MedGen C1866294, MONDO:0011142.
Ehlers-Danlos syndrome, musculocontractural type 1. Identifiers: MedGen CN295219, MONDO:0020681, OMIM 601776.

Allele frequency attached by ClinVar (database versions not stated): gnomAD exomes below 0.00001.

Submissions (2):

ARUP Laboratories, Molecular Genetics and Genomics, ARUP Laboratories
Classification: Uncertain significance for Ehlers-Danlos syndrome, musculocontractural type 1. Last evaluated: 2021-08-24. Review status: criteria provided, single submitter. Criteria: ARUP Molecular Germline Variant Investigation Process 2021. Collection method: clinical testing. Allele origin: germline.

Labcorp Genetics (formerly Invitae), Labcorp
Classification: Uncertain significance for Ehlers-Danlos syndrome, musculocontractural type. Last evaluated: 2020-06-10. Review status: criteria provided, single submitter. Criteria: Invitae Variant Classification Sherloc (09022015). Collection method: clinical testing. Allele origin: germline.
Comment: In summary, the available evidence is currently insufficient to determine the role of this variant in disease. Therefore, it has been classified as a Variant of Uncertain Significance. Algorithms developed to predict the effect of missense changes on protein structure and function are either unavailable or do not agree on the potential impact of this missense change (SIFT: "Deleterious"; PolyPhen-2: "Benign"; Align-GVGD: "Class C0"). This variant has not been reported in the literature in individuals with CHST14-related conditions. This variant is not present in population databases (ExAC no frequency). This sequence change replaces aspartic acid with asparagine at codon 99 of the CHST14 protein (p.Asp99Asn). The aspartic acid residue is highly conserved and there is a small physicochemical difference between aspartic acid and asparagine.

NM_130468.4(CHST14):c.295G>A (p.Asp99Asn)

Gene: CHST14 (carbohydrate sulfotransferase 14; plus strand). Cytogenetic location: 15q15.1.
Variant type: single nucleotide variant.
Coding change: c.295G>A on transcript NM_130468.4 (MANE Select); coding-DNA position 295, G replaced by A.
Protein change: p.Asp99Asn; replaces aspartic acid 99 with asparagine.
Molecular consequence: missense variant.
Genome position (GRCh38, 1-based): chr15:40,471,508, G>A. VCF-style: chr15-40471508-G-A. GRCh37 (hg19) VCF-style: chr15-40763707-G-A.
Other names: short protein forms D99N.
Identifiers: ClinVar variation 1042108 (VCV001042108.14), dbSNP rs1354036515, ClinGen allele CA391764852.